The following is an entry in ClinVar:

ClinVar aggregate classification (germline): Pathogenic (1 of 4 stars; one submission).

Submission:

Labcorp Genetics (formerly Invitae), Labcorp
Classification: Pathogenic. Last evaluated: 2022-05-25. Review status: criteria provided, single submitter. Criteria: Invitae Variant Classification Sherloc (09022015). Collection method: clinical testing. Allele origin: germline.
Comment: For these reasons, this variant has been classified as Pathogenic. This variant has not been reported in the literature in individuals affected with PROM1-related conditions. This variant is not present in population databases (gnomAD no frequency). This sequence change creates a premature translational stop signal (p.Asn606Lysfs*27) in the PROM1 gene. It is expected to result in an absent or disrupted protein product. Loss-of-function variants in PROM1 are known to be pathogenic (PMID: 17605048, 19718270, 24154662, 25474345).

Literature cited by the submitters: PubMed 17605048; PubMed 19718270; PubMed 24154662; PubMed 25474345.

NM_006017.3(PROM1):c.1817dup (p.Asn606fs)

Gene: PROM1 (prominin 1; minus strand). Cytogenetic location: 4p15.32.
Variant type: Duplication.
Coding change: c.1817dup on transcript NM_006017.3 (MANE Select); coding-DNA position 1817, one base duplicated (A; older notation c.1817dupA).
Protein change: p.Asn606fs; shifts the reading frame from asparagine 606.
Molecular consequence: frameshift variant.
Genome position (GRCh38, 1-based): chr4:15,992,342, T duplicated on the plus strand (A on the coding strand, the reverse complement: PROM1 is on the minus strand); the first of 2 consecutive T bases (chr4:15,992,342-15,992,343); duplicating either gives the same sequence. VCF-style (leftmost placement, unchanged base first): chr4-15992341-A-AT. GRCh37 (hg19) VCF-style: chr4-15993964-A-AT.
Other names: c.1790dup, p.Asn597fs (NM_001145847.2, NM_001145848.2, NM_001145851.2 and 4 more transcripts); c.1817dup, p.Asn606fs (NM_001145849.2, NM_001145850.2); short protein forms N597fs, N606fs.
Identifiers: ClinVar variation 1997645 (VCV001997645.4), dbSNP rs2475282541, ClinGen allele CA2580070892.